The following is an entry in ClinVar:

ClinVar aggregate classification (germline): Uncertain significance. Review status: criteria provided, multiple submitters, no conflicts (2 of 4 stars). 2 submissions from 2 submitters: Uncertain significance (2). Last evaluated 2024-03-31.

Conditions:
Microphthalmia, syndromic 11 (MCOPS11). Identifiers: MedGen C3553077, MONDO:0013734, OMIM 614402.

Allele frequency attached by ClinVar (database versions not stated): TOPMed 0.00005; gnomAD 0.00010; gnomAD exomes 0.00010.

Submissions (2):

Labcorp Genetics (formerly Invitae), Labcorp
Classification: Uncertain significance for Microphthalmia, syndromic 11. Last evaluated: 2024-03-31. Review status: criteria provided, single submitter. Criteria: Invitae Variant Classification Sherloc (09022015). Collection method: clinical testing. Allele origin: germline.
Comment: This sequence change replaces alanine, which is neutral and non-polar, with valine, which is neutral and non-polar, at codon 227 of the VAX1 protein (p.Ala227Val). This variant is present in population databases (no rsID available, gnomAD 0.03%). This variant has not been reported in the literature in individuals affected with VAX1-related conditions. Advanced modeling of protein sequence and biophysical properties (such as structural, functional, and spatial information, amino acid conservation, physicochemical variation, residue mobility, and thermodynamic stability) performed at Invitae indicates that this missense variant is not expected to disrupt VAX1 protein function with a negative predictive value of 80%. In summary, the available evidence is currently insufficient to determine the role of this variant in disease. Therefore, it has been classified as a Variant of Uncertain Significance.

Ambry Genetics
Classification: Uncertain significance. Last evaluated: 2024-01-23. Review status: criteria provided, single submitter. Criteria: Ambry Variant Classification Scheme 2023. Collection method: clinical testing. Allele origin: germline.

NM_001112704.2(VAX1):c.680C>T (p.Ala227Val)

Gene: VAX1 (ventral anterior homeobox 1; minus strand). Cytogenetic location: 10q25.3.
Variant type: single nucleotide variant.
Coding change: c.680C>T on transcript NM_001112704.2 (MANE Select); coding-DNA position 680, C replaced by T.
Protein change: p.Ala227Val; replaces alanine 227 with valine.
Molecular consequence: missense variant. On other transcripts: intron variant (1).
Genome position (GRCh38, 1-based): chr10:117,134,333, G>A on the plus strand (C>T on the coding strand, the complement: VAX1 is on the minus strand). VCF-style: chr10-117134333-G-A. GRCh37 (hg19) VCF-style: chr10-118893844-G-A.
Other names: c.430-1856C>T (NM_199131.3); short protein forms A227V.
Identifiers: ClinVar variation 3188311 (VCV003188311.3), dbSNP rs1390036718, ClinGen allele CA378557075.